The following is an entry in ClinVar:

ClinVar aggregate classification (germline): Uncertain significance (1 of 4 stars; one submission).

Conditions:
Syndromic X-linked intellectual disability Najm type (MICPCH). Also called: Intellectual Disability and Microcephaly with Pontine and Cerebellar Hypoplasia; Intellectual Disability and Microcephaly with Pontine and Cerebellar Hypoplasia (MICPCH); MICPCH SYNDROME; Intellectual developmental disorder and microcephaly with pontine and cerebellar hypoplasia; Mental retardation and microcephaly with pontine and cerebellar hypoplasia; MENTAL RETARDATION, X-LINKED, SYNDROMIC, NAJM TYPE. Identifiers: Orphanet 163937, MedGen C2677903, MONDO:0010417, OMIM 300749.

Submission:

3billion
Classification: Uncertain significance for Syndromic X-linked intellectual disability Najm type. Last evaluated: 2025-09-10. Review status: criteria provided, single submitter. Criteria: ACMG Guidelines, 2015. Collection method: clinical testing. Allele origin: germline. Affected: yes.
Comment: The variant is not observed in the gnomAD v4.1.0 dataset. Predicted Consequence/Location: Missense variant In silico tool predictions suggest damaging effect of the variant on gene or gene product [REVEL: 0.88 (>=0.6, sensitivity 0.68 and specificity 0.92); 3Cnet: 0.99 (> 0.75, sensitivity 0.96 and precision 0.92)]. A different missense change at the same codon (p.Gly637Asp) has been reported to be associated with CASK-related disorder (ClinVar ID: VCV000580053 /PMID: 23165780). However the evidence of pathogenicity is insufficient at this time. Therefore, this variant is classified as VUS according to the recommendation of ACMG/AMP guideline.

Literature cited by the submitters: PubMed 23165780.

NM_001367721.1(CASK):c.1909G>C (p.Gly637Arg)

Gene: CASK (calcium/calmodulin dependent serine protein kinase; minus strand). Cytogenetic location: Xp11.4.
Variant type: single nucleotide variant.
Coding change: c.1909G>C on transcript NM_001367721.1 (MANE Select); coding-DNA position 1909, G replaced by C.
Protein change: p.Gly637Arg; replaces glycine 637 with arginine.
Molecular consequence: missense variant.
Genome position (GRCh38, 1-based): chrX:41,553,849, C>G on the plus strand (G>C on the coding strand, the complement: CASK is on the minus strand). VCF-style: chrX-41553849-C-G. GRCh37 (hg19) VCF-style: chrX-41413102-C-G.
Other names: c.1840G>C, p.Gly614Arg (NM_001126054.3); c.1822G>C, p.Gly608Arg (NM_001126055.3); c.1891G>C, p.Gly631Arg (NM_001410745.1); c.1909G>C, p.Gly637Arg (NM_003688.4); short protein forms G608R, G614R, G631R, G637R.
Identifiers: ClinVar variation 4855186 (VCV004855186.1).